The following is an entry in ClinVar:

ClinVar aggregate classification (germline): Uncertain significance (1 of 4 stars; one submission).

Conditions:
Mendelian susceptibility to mycobacterial diseases due to complete IL12B deficiency. Also called: IL12B DEFICIENCY; Immunodeficiency 29. Identifiers: Orphanet 319558, MedGen C4013948, MONDO:0013954, OMIM 614890.

Submission:

Labcorp Genetics (formerly Invitae), Labcorp
Classification: Uncertain significance for Mendelian susceptibility to mycobacterial diseases due to complete IL12B deficiency. Last evaluated: 2025-04-10. Review status: criteria provided, single submitter. Criteria: Invitae Variant Classification Sherloc (09022015). Collection method: clinical testing. Allele origin: germline.
Comment: This sequence change replaces valine, which is neutral and non-polar, with phenylalanine, which is neutral and non-polar, at codon 7 of the IL12B protein (p.Val7Phe). This variant is not present in population databases (gnomAD no frequency). This variant has not been reported in the literature in individuals affected with IL12B-related conditions. An algorithm developed to predict the effect of missense changes on protein structure and function (PolyPhen-2) suggests that this variant is likely to be tolerated. In summary, the available evidence is currently insufficient to determine the role of this variant in disease. Therefore, it has been classified as a Variant of Uncertain Significance.

NM_002187.3(IL12B):c.19G>T (p.Val7Phe)

Gene: IL12B (interleukin 12B; minus strand). Cytogenetic location: 5q33.3.
Variant type: single nucleotide variant.
Coding change: c.19G>T on transcript NM_002187.3 (MANE Select); coding-DNA position 19, G replaced by T.
Protein change: p.Val7Phe; replaces valine 7 with phenylalanine.
Molecular consequence: missense variant.
Genome position (GRCh38, 1-based): chr5:159,326,764, C>A on the plus strand (G>T on the coding strand, the complement: IL12B is on the minus strand). VCF-style: chr5-159326764-C-A. GRCh37 (hg19) VCF-style: chr5-158753772-C-A.
Other names: short protein forms V7F.
Identifiers: ClinVar variation 4747774 (VCV004747774.1).